The following is an entry in ClinVar:

ClinVar aggregate classification (germline): Uncertain significance (1 of 4 stars; one submission).

Conditions:
Cornelia de Lange syndrome 1 (CDLS1). Also called: Brachmann de Lange syndrome; NIPBL-Related Cornelia de Lange Syndrome; TYPUS DEGENERATIVUS AMSTELODAMENSIS. Identifiers: Orphanet 199, MedGen C4551851, MONDO:0007387, OMIM 122470.

Allele frequency attached by ClinVar (database versions not stated): gnomAD 0.00001; TOPMed 0.00001; gnomAD exomes 0.00002; ExAC 0.00003.
gnomAD v4.1: 33 of 1,612,650 alleles (0.002%); highest among the groups gnomAD compares: Non-Finnish European, 0.0026%; no homozygotes.

Submission:

Labcorp Genetics (formerly Invitae), Labcorp
Classification: Uncertain significance for Cornelia de Lange syndrome 1. Last evaluated: 2024-04-15. Review status: criteria provided, single submitter. Criteria: Invitae Variant Classification Sherloc (09022015). Collection method: clinical testing. Allele origin: germline.
Comment: This sequence change replaces threonine, which is neutral and polar, with alanine, which is neutral and non-polar, at codon 1313 of the NIPBL protein (p.Thr1313Ala). This variant is present in population databases (rs769095978, gnomAD 0.007%). This variant has not been reported in the literature in individuals affected with NIPBL-related conditions. Advanced modeling of protein sequence and biophysical properties (such as structural, functional, and spatial information, amino acid conservation, physicochemical variation, residue mobility, and thermodynamic stability) has been performed at Invitae for this missense variant, however the output from this modeling did not meet the statistical confidence thresholds required to predict the impact of this variant on NIPBL protein function. In summary, the available evidence is currently insufficient to determine the role of this variant in disease. Therefore, it has been classified as a Variant of Uncertain Significance.

NM_133433.4(NIPBL):c.3937A>G (p.Thr1313Ala)

Gene: NIPBL (NIPBL cohesin loading factor; plus strand). Cytogenetic location: 5p13.2.
Variant type: single nucleotide variant.
Coding change: c.3937A>G on transcript NM_133433.4 (MANE Select); coding-DNA position 3937, A replaced by G.
Protein change: p.Thr1313Ala; replaces threonine 1313 with alanine.
Molecular consequence: missense variant.
Genome position (GRCh38, 1-based): chr5:37,006,438, A>G. VCF-style: chr5-37006438-A-G. GRCh37 (hg19) VCF-style: chr5-37006540-A-G.
Other names: c.3937A>G, p.Thr1313Ala (NM_015384.5); short protein forms T1313A.
Identifiers: ClinVar variation 2727837 (VCV002727837.3), dbSNP rs769095978, ClinGen allele CA3236473.